The following is an entry in ClinVar:

NM_001048174.2(MUTYH):c.1321G>A (p.Val441Ile)

Gene: MUTYH (mutY DNA glycosylase; minus strand). Cytogenetic location: 1p34.1.
Variant type: single nucleotide variant.
Coding change: c.1321G>A on transcript NM_001048174.2 (MANE Select); coding-DNA position 1321, G replaced by A.
Protein change: p.Val441Ile; replaces valine 441 with isoleucine.
Molecular consequence: missense variant. On other transcripts: non-coding transcript variant (2).
Genome position (GRCh38, 1-based): chr1:45,331,253, C>T on the plus strand (G>A on the coding strand, the complement: MUTYH is on the minus strand). VCF-style: chr1-45331253-C-T. GRCh37 (hg19) VCF-style: chr1-45796925-C-T.
Other names: c.1321G>A, p.Val441Ile (NM_001048171.2, NM_001048173.2, NM_001293195.2); c.1324G>A, p.Val442Ile (NM_001048172.2); c.1405G>A, p.Val469Ile (NM_001128425.2); c.1366G>A, p.Val456Ile (NM_001293190.2); c.1354G>A, p.Val452Ile (NM_001293191.2); c.1045G>A, p.Val349Ile (NM_001293192.2, NM_001293196.2); c.976G>A, p.Val326Ile (NM_001350650.2, NM_001350651.2); c.1396G>A, p.Val466Ile (NM_012222.3); short protein forms V469I, V455I, V326I, V442I, V452I, V456I, V349I, V466I.
Identifiers: ClinVar variation 186723 (VCV000186723.27), dbSNP rs779701238, ClinGen allele CA012695.

ClinVar aggregate classification (germline): Conflicting classifications of pathogenicity. Review status: criteria provided, conflicting classifications (1 of 4 stars). 9 submissions from 9 submitters: Uncertain significance (6); Benign (1). 2 of the submissions do not count toward it. Last evaluated 2026-01-26.

Conditions:
Familial colorectal cancer type X. Identifiers: Orphanet 440437, MedGen C3896578, MONDO:0018604.
MUTYH-related disorder. Also called: MUTYH-related condition; MUTYH-related disorders.
Hereditary cancer-predisposing syndrome. Also called: Tumor predisposition; Neoplastic Syndromes, Hereditary; Hereditary neoplastic syndrome; Hereditary Cancer Syndrome. Identifiers: Orphanet 140162, MedGen C0027672, MeSH D009386, MONDO:0015356.
Familial adenomatous polyposis 2. Also called: MUTYH-related attenuated familial adenomatous polyposis; MUTYH-associated polyposis; MUTYH Polyposis; COLORECTAL ADENOMATOUS POLYPOSIS, AUTOSOMAL RECESSIVE; ADENOMAS, MULTIPLE COLORECTAL, AUTOSOMAL RECESSIVE; MYH-associated polyposis. Identifiers: Orphanet 220460, Orphanet 247798, MedGen C3272841, MONDO:0012041, OMIM 608456.

Allele frequency attached by ClinVar (database versions not stated): ExAC 0.00001; TOPMed 0.00001; gnomAD exomes 0.00002.
gnomAD v4.1: 35 of 1,614,160 alleles (0.0022%); highest among the groups gnomAD compares: Non-Finnish European, 0.0027%; no homozygotes.

Submissions (9):

Labcorp Genetics (formerly Invitae), Labcorp
Classification: Uncertain significance for Familial adenomatous polyposis 2. Last evaluated: 2026-01-26. Review status: criteria provided, single submitter. Criteria: Invitae Variant Classification Sherloc (09022015). Collection method: clinical testing. Allele origin: germline.
Comment: This sequence change replaces valine, which is neutral and non-polar, with isoleucine, which is neutral and non-polar, at codon 469 of the MUTYH protein (p.Val469Ile). This variant is present in population databases (rs779701238, gnomAD 0.007%). This variant has not been reported in the literature in individuals affected with MUTYH-related conditions. ClinVar contains an entry for this variant (Variation ID: 186723). An algorithm developed to predict the effect of missense changes on protein structure and function (PolyPhen-2) suggests that this variant is likely to be tolerated. In summary, the available evidence is currently insufficient to determine the role of this variant in disease. Therefore, it has been classified as a Variant of Uncertain Significance.

Ambry Genetics
Classification: Benign for Hereditary cancer-predisposing syndrome. Last evaluated: 2025-09-09. Review status: criteria provided, single submitter. Criteria: Ambry Variant Classification Scheme 2023. Collection method: clinical testing. Allele origin: germline.

GeneDx
Classification: Uncertain significance. Last evaluated: 2024-09-06. Review status: criteria provided, single submitter. Criteria: GeneDx Variant Classification Process June 2021. Collection method: clinical testing. Allele origin: germline. Affected: yes.
Comment: Not observed at significant frequency in large population cohorts (gnomAD); In silico analysis indicates that this missense variant does not alter protein structure/function; Observed in cases and controls in a breast cancer case-control study (PMID: 33471991); This variant is associated with the following publications: (PMID: 23108399, 33471991)

Color Diagnostics, LLC DBA Color Health
Classification: Uncertain significance for Hereditary cancer-predisposing syndrome. Last evaluated: 2023-08-28. Review status: criteria provided, single submitter. Criteria: ACMG Guidelines, 2015. Collection method: clinical testing. Allele origin: germline.
Comment: This missense variant replaces valine with isoleucine at codon 469 of the MUTYH protein. Computational prediction suggests that this variant may not impact protein structure and function (internally defined REVEL score threshold <= 0.5, PMID: 27666373). To our knowledge, functional studies have not been reported for this variant. This variant has not been reported in individuals affected with MUTYH-related disorders in the literature. This variant has been identified in 4/251492 chromosomes in the general population by the Genome Aggregation Database (gnomAD). The available evidence is insufficient to determine the role of this variant in disease conclusively. Therefore, this variant is classified as a Variant of Uncertain Significance.

All of Us Research Program, National Institutes of Health
Classification: Uncertain significance for Familial adenomatous polyposis 2. Last evaluated: 2023-08-15. Review status: criteria provided, single submitter. Criteria: ACMG Guidelines, 2015. Collection method: clinical testing. Allele origin: germline. Inheritance: Autosomal recessive inheritance. Observed: 2 variant alleles, 2 heterozygotes.
Comment: This missense variant replaces valine with isoleucine at codon 469 of the MUTYH protein. Computational prediction suggests that this variant may not impact protein structure and function (internally defined REVEL score threshold <= 0.5, PMID: 27666373). To our knowledge, functional studies have not been reported for this variant. This variant has not been reported in individuals affected with hereditary cancer in the literature. This variant has been identified in 4/251492 chromosomes in the general population by the Genome Aggregation Database (gnomAD). The available evidence is insufficient to determine the role of this variant in disease conclusively. Therefore, this variant is classified as a Variant of Uncertain Significance.

This study involves interpretation of variants in research participants for the purpose of population health screening. Participant phenotype was not available at the time of variant classification. Additional details can be found in publication PMID: 35346344, PMCID: PMC8962531

Sema4
Classification: Uncertain significance for Hereditary cancer-predisposing syndrome. Last evaluated: 2021-06-18. Review status: criteria provided, single submitter. Criteria: Sema4 Curation Guidelines. Collection method: curation. Allele origin: germline.
Comment: The MUTYH c.1405G>A (p.V469I) variant has been reported in 2/60466 breast cancer cases and 1/53461 healthy controls by a large case-control study (PMID: 33471991). This variant was observed in 1/16256 chromosomes in the African population according to the Genome Aggregation Database (PMID: 32461654) and has been reported in ClinVar (Variation ID: 186723). In silico tools suggest the impact of the variant on protein function is inconclusive, though these predictions have not been confirmed by functional studies. Based on the current evidence available, this variant is interpreted as a variant of uncertain significance.

Department of Pathology and Laboratory Medicine, Sinai Health System
Classification: Uncertain significance for Familial colorectal cancer type X. Last evaluated: 2020-11-16. Review status: criteria provided, single submitter. Criteria: ACMG Guidelines, 2015. Collection method: clinical testing. Allele origin: germline. Affected: yes.

PreventionGenetics, part of Exact Sciences
Classification: Uncertain significance for MUTYH-related condition. Last evaluated: 2024-03-23. Review status: no assertion criteria provided. Collection method: clinical testing. Allele origin: germline. Not counted in ClinVar's aggregate classification.
Comment: The MUTYH c.1405G>A variant is predicted to result in the amino acid substitution p.Val469Ile. In a large-scale study of breast cancer risk genes, this variant was identified in two patients with breast cancer and in one control patient (Breast Cancer Association Consortium et al 2021. PubMed ID: 33471991). This variant is reported in 0.0062% of alleles in individuals of African descent in gnomAD. In ClinVar, this variant is interpreted as having uncertain significance. At this time, the clinical significance of this variant is uncertain due to the absence of conclusive functional and genetic evidence.

Counsyl
Classification: Uncertain significance for Familial adenomatous polyposis 2. Last evaluated: 2017-03-08. Review status: no assertion criteria provided. Collection method: clinical testing. Allele origin: unknown. Not counted in ClinVar's aggregate classification.

Literature cited by the submitters: PubMed 40738107 (cited by Ambry Genetics); PubMed 33471991 (cited by Sema4).